The following is an entry in ClinVar:

ClinVar aggregate classification (germline): Likely benign (0 of 4 stars; one submission).

Conditions:
ZNF462-related disorder. Also called: ZNF462-related condition; ZNF462 related disease.

Allele frequency attached by ClinVar (database versions not stated): gnomAD 0.00001; gnomAD exomes 0.00001; ExAC 0.00002; TOPMed 0.00002; ESP Exome Variant Server 0.00008.
gnomAD v4.1: 20 of 1,613,966 alleles (0.0012%); highest among the groups gnomAD compares: Middle Eastern, 0.016%; no homozygotes.

Submission:

PreventionGenetics, part of Exact Sciences
Classification: Likely benign for ZNF462-related condition. Last evaluated: 2019-06-18. Review status: no assertion criteria provided. Collection method: clinical testing. Allele origin: germline.
Comment: This variant is classified as likely benign based on ACMG/AMP sequence variant interpretation guidelines (Richards et al. 2015 PMID: 25741868, with internal and published modifications).

NM_021224.6(ZNF462):c.6144C>T (p.His2048=)

Gene: ZNF462 (zinc finger protein 462; plus strand). Cytogenetic location: 9q31.2.
Variant type: single nucleotide variant.
Coding change: c.6144C>T on transcript NM_021224.6 (MANE Select); coding-DNA position 6144, C replaced by T.
Protein change: p.His2048=; no amino-acid change (histidine 2048 retained).
Molecular consequence: synonymous variant.
Genome position (GRCh38, 1-based): chr9:106,935,530, C>T. VCF-style: chr9-106935530-C-T. GRCh37 (hg19) VCF-style: chr9-109697811-C-T.
Other names: c.3549C>T, p.His1183= (NM_001347997.2).
Identifiers: ClinVar variation 3033185 (VCV003033185.2), dbSNP rs376460171, ClinGen allele CA5172174.